The following is an entry in ClinVar:

ClinVar aggregate classification (germline): Uncertain significance (1 of 4 stars; one submission).

Conditions:
Hereditary cancer-predisposing syndrome. Also called: Tumor predisposition; Hereditary Cancer Syndrome; Hereditary neoplastic syndrome; Neoplastic Syndromes, Hereditary. Identifiers: Orphanet 140162, MedGen C0027672, MeSH D009386, MONDO:0015356.

Submission:

Ambry Genetics
Classification: Uncertain significance for Hereditary cancer-predisposing syndrome. Last evaluated: 2023-07-29. Review status: criteria provided, single submitter. Criteria: Ambry Variant Classification Scheme 2023. Collection method: clinical testing. Allele origin: germline.
Comment: The p.A502V variant (also known as c.1505C>T), located in coding exon 13 of the BAP1 gene, results from a C to T substitution at nucleotide position 1505. The alanine at codon 502 is replaced by valine, an amino acid with similar properties. This amino acid position is conserved. In addition, this alteration is predicted to be deleterious by in silico analysis. Since supporting evidence is limited at this time, the clinical significance of this alteration remains unclear.

NM_004656.4(BAP1):c.1505C>T (p.Ala502Val)

Gene: BAP1 (BRCA1 associated deubiquitinase 1; minus strand). Cytogenetic location: 3p21.1.
Variant type: single nucleotide variant.
Coding change: c.1505C>T on transcript NM_004656.4 (MANE Select); coding-DNA position 1505, C replaced by T.
Protein change: p.Ala502Val; replaces alanine 502 with valine.
Molecular consequence: missense variant.
Genome position (GRCh38, 1-based): chr3:52,403,640, G>A on the plus strand (C>T on the coding strand, the complement: BAP1 is on the minus strand). VCF-style: chr3-52403640-G-A. GRCh37 (hg19) VCF-style: chr3-52437656-G-A.
Other names: c.1451C>T, p.Ala484Val (NM_001410772.1); short protein forms A502V, A484V.
Identifiers: ClinVar variation 2626744 (VCV002626744.2), dbSNP rs2153226683, ClinGen allele CA353100928.